The following is an entry in ClinVar:

ClinVar aggregate classification (germline): Uncertain significance (1 of 4 stars; one submission).

Conditions:
Early Myoclonic Encephalopathy. Identifiers: MedGen C0270855.

Allele frequency attached by ClinVar (database versions not stated): gnomAD exomes below 0.00001; TOPMed below 0.00001; ExAC 0.00001; ESP Exome Variant Server 0.00008.
gnomAD v4.1: 1 of 1,612,892 alleles (0.000062%); highest among the groups gnomAD compares: Non-Finnish European, 0.000085%; no homozygotes.

Submission:

Labcorp Genetics (formerly Invitae), Labcorp
Classification: Uncertain significance for Early Myoclonic Encephalopathy. Last evaluated: 2024-02-17. Review status: criteria provided, single submitter. Criteria: Invitae Variant Classification Sherloc (09022015). Collection method: clinical testing. Allele origin: germline.
Comment: This sequence change replaces arginine, which is basic and polar, with tryptophan, which is neutral and slightly polar, at codon 434 of the KCND2 protein (p.Arg434Trp). The frequency data for this variant in the population databases is considered unreliable, as metrics indicate poor data quality at this position in the gnomAD database. This variant has not been reported in the literature in individuals affected with KCND2-related conditions. ClinVar contains an entry for this variant (Variation ID: 1019937). Advanced modeling of protein sequence and biophysical properties (such as structural, functional, and spatial information, amino acid conservation, physicochemical variation, residue mobility, and thermodynamic stability) performed at Invitae indicates that this missense variant is not expected to disrupt KCND2 protein function with a negative predictive value of 80%. In summary, the available evidence is currently insufficient to determine the role of this variant in disease. Therefore, it has been classified as a Variant of Uncertain Significance.

NM_012281.3(KCND2):c.1300C>T (p.Arg434Trp)

Gene: KCND2 (potassium voltage-gated channel subfamily D member 2; plus strand). Cytogenetic location: 7q31.31.
Variant type: single nucleotide variant.
Coding change: c.1300C>T on transcript NM_012281.3 (MANE Select); coding-DNA position 1300, C replaced by T.
Protein change: p.Arg434Trp; replaces arginine 434 with tryptophan.
Molecular consequence: missense variant.
Genome position (GRCh38, 1-based): chr7:120,741,555, C>T. VCF-style: chr7-120741555-C-T. GRCh37 (hg19) VCF-style: chr7-120381609-C-T.
Other names: short protein forms R434W.
Identifiers: ClinVar variation 1019937 (VCV001019937.8), dbSNP rs376029594, ClinGen allele CA4453643.
Genomic context (GRCh38, chr7:120,741,555, plus strand): 5'-TTATAAATGTTAATGGGATGTTTATTTTTTCTCCTATAGAAAGCTAGACTGGCCAGGATC[C>T]GGGCAGCCAAAAGCGGAAGCGCAAATGCTTACATGCAGAGCAAACGGAATGGTTTACTCA-3'
Protein context (NP_036413.1, residues 424-444): AQKKARLARI[Arg434Trp]AAKSGSANAY